The following is an entry in ClinVar:

NM_001164508.2(NEB):c.24485C>T (p.Ser8162Leu)

Genes: NEB (nebulin; minus strand), RIF1 (replication timing regulatory factor 1; plus strand). Cytogenetic location: 2q23.3.
Variant type: single nucleotide variant.
Coding change: c.24485C>T on transcript NM_001164508.2 (MANE Select); coding-DNA position 24485, C replaced by T.
Protein change: p.Ser8162Leu; replaces serine 8162 with leucine.
Molecular consequence: missense variant.
Genome position (GRCh38, 1-based): chr2:151,496,277, G>A on the plus strand (C>T on the coding strand, the complement: NEB is on the minus strand). VCF-style: chr2-151496277-G-A. GRCh37 (hg19) VCF-style: chr2-152352791-G-A.
Other names: c.24485C>T, p.Ser8162Leu (NM_001164507.2); c.24590C>T, p.Ser8197Leu (NM_001271208.2); c.18917C>T, p.Ser6306Leu (NM_004543.5); short protein forms S6306L, S8162L, S8197L.
Identifiers: ClinVar variation 845565 (VCV000845565.8), dbSNP rs541908352, ClinGen allele CA1906038.

ClinVar aggregate classification (germline): Uncertain significance. Review status: criteria provided, multiple submitters, no conflicts (2 of 4 stars). 3 submissions from 3 submitters: Uncertain significance (2). 1 of the submissions does not count toward it. Last evaluated 2026-01-21.

Conditions:
Nemaline myopathy 2 (NEM2). Also called: Nemaline myopathy 2, autosomal recessive. Identifiers: MedGen C1850569, MONDO:0009725, OMIM 256030.

Allele frequency attached by ClinVar (database versions not stated): TOPMed 0.00002; gnomAD 0.00004; gnomAD exomes 0.00004 and 0.00002; ExAC 0.00009; 1000 Genomes Project 30x 0.00016; 1000 Genomes Project 0.00020.
gnomAD v4.1: 42 of 1,604,380 alleles (0.0026%); highest among the groups gnomAD compares: African/African-American, 0.0053%; no homozygotes.

Submissions (3):

Labcorp Genetics (formerly Invitae), Labcorp
Classification: Uncertain significance for Nemaline myopathy 2. Last evaluated: 2026-01-21. Review status: criteria provided, single submitter. Criteria: Invitae Variant Classification Sherloc (09022015). Collection method: clinical testing. Allele origin: germline.
Comment: This sequence change replaces serine, which is neutral and polar, with leucine, which is neutral and non-polar, at codon 8197 of the NEB protein (p.Ser8197Leu). The frequency data for this variant in the population databases is considered unreliable, as metrics indicate poor data quality at this position in the gnomAD database. This variant has not been reported in the literature in individuals affected with NEB-related conditions. ClinVar contains an entry for this variant (Variation ID: 845565). Experimental studies and prediction algorithms are not available or were not evaluated, and the functional significance of this variant is currently unknown. Algorithms developed to predict the effect of sequence changes on RNA splicing suggest that this variant may disrupt the consensus splice site. In summary, the available evidence is currently insufficient to determine the role of this variant in disease. Therefore, it has been classified as a Variant of Uncertain Significance.

Revvity Omics, Revvity
Classification: Uncertain significance. Last evaluated: 2021-03-31. Review status: criteria provided, single submitter. Criteria: ACMG Guidelines, 2015. Collection method: clinical testing. Allele origin: germline.

Natera, Inc.
Classification: Uncertain significance for Nemaline myopathy type 2. Last evaluated: 2020-09-16. Review status: no assertion criteria provided. Collection method: clinical testing. Allele origin: germline. Not counted in ClinVar's aggregate classification.